The following is an entry in ClinVar:

ClinVar aggregate classification (germline): Uncertain significance (1 of 4 stars; one submission).

gnomAD v4.1: 1 of 1,613,886 alleles (0.000062%); highest among the groups gnomAD compares: East Asian, 0.0022%; no homozygotes.

Submission:

Labcorp Genetics (formerly Invitae), Labcorp
Classification: Uncertain significance. Last evaluated: 2023-07-08. Review status: criteria provided, single submitter. Criteria: Invitae Variant Classification Sherloc (09022015). Collection method: clinical testing. Allele origin: germline.
Comment: This sequence change replaces valine, which is neutral and non-polar, with leucine, which is neutral and non-polar, at codon 272 of the SLC26A3 protein (p.Val272Leu). This variant is not present in population databases (gnomAD no frequency). This variant has not been reported in the literature in individuals affected with SLC26A3-related conditions. Advanced modeling of protein sequence and biophysical properties (such as structural, functional, and spatial information, amino acid conservation, physicochemical variation, residue mobility, and thermodynamic stability) performed at Invitae indicates that this missense variant is not expected to disrupt SLC26A3 protein function. In summary, the available evidence is currently insufficient to determine the role of this variant in disease. Therefore, it has been classified as a Variant of Uncertain Significance.

NM_000111.3(SLC26A3):c.814G>C (p.Val272Leu)

Gene: SLC26A3 (solute carrier family 26 member 3; minus strand). Cytogenetic location: 7q22.3.
Variant type: single nucleotide variant.
Coding change: c.814G>C on transcript NM_000111.3 (MANE Select); coding-DNA position 814, G replaced by C.
Protein change: p.Val272Leu; replaces valine 272 with leucine.
Molecular consequence: missense variant.
Genome position (GRCh38, 1-based): chr7:107,787,431, C>G on the plus strand (G>C on the coding strand, the complement: SLC26A3 is on the minus strand). VCF-style: chr7-107787431-C-G. GRCh37 (hg19) VCF-style: chr7-107427876-C-G.
Other names: short protein forms V272L.
Identifiers: ClinVar variation 2863770 (VCV002863770.3), dbSNP rs758230257, ClinGen allele CA368852732.